The following is an entry in ClinVar:

NM_001276345.2(TNNT2):c.295-19C>T

Gene: TNNT2 (troponin T2, cardiac type; minus strand). Cytogenetic location: 1q32.1.
Variant type: single nucleotide variant.
Coding change: c.295-19C>T on transcript NM_001276345.2 (MANE Select); 19 bases into the intron before coding-DNA position 295, C replaced by T.
Molecular consequence: intron variant.
Genome position (GRCh38, 1-based): chr1:201,365,326, G>A on the plus strand (C>T on the coding strand, the complement: TNNT2 is on the minus strand). VCF-style: chr1-201365326-G-A. GRCh37 (hg19) VCF-style: chr1-201334454-G-A.
Other names: c.250-19C>T (NM_001001432.3); c.265-19C>T (NM_001001431.3, NM_001001430.3, NM_001276347.2); c.291+284C>T (NM_001276346.2); c.295-19C>T (NM_000364.4).
Identifiers: ClinVar variation 137689 (VCV000137689.10), dbSNP rs587780969, ClinGen allele CA004253.

ClinVar aggregate classification (germline): Benign/Likely benign. Review status: criteria provided, multiple submitters, no conflicts (2 of 4 stars). 6 submissions from 4 submitters: Benign (5); Likely benign (1). Last evaluated 2026-02-03.

Conditions:
Dilated cardiomyopathy 1D. Identifiers: Orphanet 154, Orphanet 54260, MedGen C1832243, MONDO:0011095, OMIM 601494.
Hypertrophic cardiomyopathy 2. Also called: TNNT2-Related Familial Hypertrophic Cardiomyopathy. Identifiers: MedGen C1861864, MONDO:0007266, OMIM 115195.
Cardiomyopathy, familial restrictive, 3. Identifiers: Orphanet 75249, MedGen C2676271, MONDO:0012900, OMIM 612422.

Allele frequency attached by ClinVar (database versions not stated): TOPMed 0.00005; ExAC 0.00008; gnomAD 0.00008 and 0.00009; gnomAD exomes 0.00008.
gnomAD v4.1: 35 of 1,598,648 alleles (0.0022%); highest among the groups gnomAD compares: East Asian, 0.047%; no homozygotes.

Submissions (6):

Labcorp Genetics (formerly Invitae), Labcorp
Classification: Benign for Cardiomyopathy, familial restrictive, 3; Hypertrophic cardiomyopathy 2; Dilated cardiomyopathy 1D. Last evaluated: 2026-02-03. Review status: criteria provided, single submitter. Criteria: Invitae Variant Classification Sherloc (09022015). Collection method: clinical testing. Allele origin: germline.

Genome-Nilou Lab
Classification: Benign for Dilated cardiomyopathy 1D. Last evaluated: 2023-04-11. Review status: criteria provided, single submitter. Criteria: ACMG Guidelines, 2015. Collection method: clinical testing. Allele origin: germline. Affected: no.

Genome-Nilou Lab
Classification: Benign for Cardiomyopathy, familial restrictive, 3. Last evaluated: 2023-04-11. Review status: criteria provided, single submitter. Criteria: ACMG Guidelines, 2015. Collection method: clinical testing. Allele origin: germline. Affected: no.

Genome-Nilou Lab
Classification: Benign for Hypertrophic cardiomyopathy 2. Last evaluated: 2023-04-11. Review status: criteria provided, single submitter. Criteria: ACMG Guidelines, 2015. Collection method: clinical testing. Allele origin: germline. Affected: no.

Blueprint Genetics
Classification: Likely benign. Last evaluated: 2022-08-26. Review status: criteria provided, single submitter. Criteria: ACMG Guidelines, 2015. Collection method: clinical testing. Allele origin: germline.

GeneDx
Classification: Benign. Last evaluated: 2014-04-10. Review status: criteria provided, single submitter. Criteria: GeneDx Variant Classification (06012015). Collection method: clinical testing. Allele origin: germline. Affected: yes.
Comment: This variant is considered likely benign or benign based on one or more of the following criteria: it is a conservative change, it occurs at a poorly conserved position in the protein, it is predicted to be benign by multiple in silico algorithms, and/or has population frequency not consistent with disease.